The following is an entry in ClinVar:

NM_000215.4(JAK3):c.2554G>C (p.Val852Leu)

Gene: JAK3 (Janus kinase 3; minus strand). Cytogenetic location: 19p13.11.
Variant type: single nucleotide variant.
Coding change: c.2554G>C on transcript NM_000215.4 (MANE Select); coding-DNA position 2554, G replaced by C.
Protein change: p.Val852Leu; replaces valine 852 with leucine.
Molecular consequence: missense variant.
Genome position (GRCh38, 1-based): chr19:17,832,645, C>G on the plus strand (G>C on the coding strand, the complement: JAK3 is on the minus strand). VCF-style: chr19-17832645-C-G. GRCh37 (hg19) VCF-style: chr19-17943454-C-G.
Other names: short protein forms V852L.
Identifiers: ClinVar variation 1715337 (VCV001715337.5), dbSNP rs2514549629, ClinGen allele CA404766391.

ClinVar aggregate classification (germline): Uncertain significance (1 of 4 stars; one submission).

Conditions:
T-B+ severe combined immunodeficiency due to JAK3 deficiency. Also called: SCID, autosomal recessive, T-negative/B-positive type; SCID, T CELL-NEGATIVE, B CELL-POSITIVE, NK CELL-NEGATIVE. Identifiers: Orphanet 35078, MedGen C1833275, MONDO:0010938, OMIM 600802.

Submission:

Labcorp Genetics (formerly Invitae), Labcorp
Classification: Uncertain significance for T-B+ severe combined immunodeficiency due to JAK3 deficiency. Last evaluated: 2022-08-06. Review status: criteria provided, single submitter. Criteria: Invitae Variant Classification Sherloc (09022015). Collection method: clinical testing. Allele origin: germline.
Comment: In summary, the available evidence is currently insufficient to determine the role of this variant in disease. Therefore, it has been classified as a Variant of Uncertain Significance. Advanced modeling of protein sequence and biophysical properties (such as structural, functional, and spatial information, amino acid conservation, physicochemical variation, residue mobility, and thermodynamic stability) performed at Invitae indicates that this missense variant is not expected to disrupt JAK3 protein function. This variant has not been reported in the literature in individuals affected with JAK3-related conditions. This variant is not present in population databases (gnomAD no frequency). This sequence change replaces valine, which is neutral and non-polar, with leucine, which is neutral and non-polar, at codon 852 of the JAK3 protein (p.Val852Leu).